The following is an entry in ClinVar:

NM_144999.4(LRRC45):c.1547G>C (p.Arg516Pro)

Gene: LRRC45 (leucine rich repeat containing 45; plus strand). Cytogenetic location: 17q25.3.
Variant type: single nucleotide variant.
Coding change: c.1547G>C on transcript NM_144999.4 (MANE Select); coding-DNA position 1547, G replaced by C.
Protein change: p.Arg516Pro; replaces arginine 516 with proline.
Molecular consequence: missense variant.
Genome position (GRCh38, 1-based): chr17:82,030,117, G>C. VCF-style: chr17-82030117-G-C. GRCh37 (hg19) VCF-style: chr17-79987993-G-C.
Other names: c.1547G>C (NM_144999.3); short protein forms R516P.
Identifiers: ClinVar variation 3120729 (VCV003120729.2), dbSNP rs1014141978, ClinGen allele CA295136792.

ClinVar aggregate classification (germline): Uncertain significance. Review status: criteria provided, multiple submitters, no conflicts (2 of 4 stars). 2 submissions from 2 submitters: Uncertain significance (2). Last evaluated 2026-01-18.

Conditions:
LRRC45-related disorder. Also called: LRRC45-related condition.

Allele frequency attached by ClinVar (database versions not stated): TOPMed 0.00009; 1000 Genomes Project 30x 0.00016.

Submissions (2):

PreventionGenetics, part of Exact Sciences
Classification: Uncertain significance for LRRC45-related condition. Last evaluated: 2026-01-18. Review status: criteria provided, single submitter. Criteria: ACMG Guidelines, 2015. Collection method: clinical testing. Allele origin: germline.
Comment: The LRRC45 c.1547G>C variant is predicted to result in the amino acid substitution p.Arg516Pro. To our knowledge, this variant has not been reported in the literature. This variant is reported in 0.0041% of alleles in individuals of Latino descent in gnomAD. At this time, the clinical significance of this variant is uncertain due to the absence of conclusive functional and genetic evidence.

Ambry Genetics
Classification: Uncertain significance. Last evaluated: 2024-01-16. Review status: criteria provided, single submitter. Criteria: Ambry Variant Classification Scheme 2023. Collection method: clinical testing. Allele origin: germline.